The following is an entry in ClinVar:

ClinVar aggregate classification (germline): Benign/Likely benign. Review status: criteria provided, multiple submitters, no conflicts (2 of 4 stars). 6 submissions from 6 submitters: Benign (3); Likely benign (2). 1 of the submissions does not count toward it. Last evaluated 2026-01-19.

Conditions:
PCSK9-related disorder. Also called: PCSK9-related condition; PCSK9-related disorders.
Familial hypercholesterolemia. Also called: Familial hypercholesterolemias; Familial hypercholesterolaemia. Identifiers: MedGen C0020445, MONDO:0005439.
Hypercholesterolemia, autosomal dominant, 3 (FHCL3). Also called: Familial Hypercholesterolemia, Autosomal Dominant, 3; PCSK9-Related Familial Hypercholesterolemia, Autosomal Dominant; Familial hypercholesterolemia 3. Identifiers: MedGen C1863551, MONDO:0011369, OMIM 603776.

Allele frequency attached by ClinVar (database versions not stated): gnomAD exomes 0.00014 and 0.00035; gnomAD 0.00019; TOPMed 0.00022; ExAC 0.00025; ESP Exome Variant Server 0.00075.

Submissions (6):

Labcorp Genetics (formerly Invitae), Labcorp
Classification: Benign for Hypercholesterolemia, autosomal dominant, 3. Last evaluated: 2026-01-19. Review status: criteria provided, single submitter. Criteria: Invitae Variant Classification Sherloc (09022015). Collection method: clinical testing. Allele origin: germline.

CeGaT Center for Human Genetics Tuebingen
Classification: Likely benign. Last evaluated: 2026-01-01. Review status: criteria provided, single submitter. Criteria: CeGaT Center For Human Genetics Tuebingen Variant Classification Criteria Version 2. Collection method: clinical testing. Allele origin: germline. Affected: yes. Observed: 11 variant alleles.
Comment: PCSK9: BP4

Women's Health and Genetics/Laboratory Corporation of America, LabCorp
Classification: Benign. Last evaluated: 2022-10-09. Review status: criteria provided, single submitter. Criteria: LabCorp Variant Classification Summary - May 2015. Collection method: clinical testing. Allele origin: germline.

Quest Diagnostics Nichols Institute San Juan Capistrano
Classification: Benign. Last evaluated: 2019-04-17. Review status: criteria provided, single submitter. Criteria: Quest Diagnostics criteria. Collection method: clinical testing. Allele origin: germline.

Color Diagnostics, LLC DBA Color Health
Classification: Likely benign for Familial hypercholesterolemias. Last evaluated: 2017-07-06. Review status: criteria provided, single submitter. Criteria: ACMG Guidelines, 2015. Collection method: clinical testing. Allele origin: germline.

PreventionGenetics, part of Exact Sciences
Classification: Likely benign for PCSK9-related condition. Last evaluated: 2019-08-12. Review status: no assertion criteria provided. Collection method: clinical testing. Allele origin: germline. Not counted in ClinVar's aggregate classification.
Comment: This variant is classified as likely benign based on ACMG/AMP sequence variant interpretation guidelines (Richards et al. 2015 PMID: 25741868, with internal and published modifications).

NM_174936.4(PCSK9):c.996+8del

Gene: PCSK9 (proprotein convertase subtilisin/kexin type 9; plus strand). Cytogenetic location: 1p32.3.
Variant type: Deletion.
Coding change: c.996+8del on transcript NM_174936.4 (MANE Select); 8 bases into the intron after coding-DNA position 996, one base deleted (C; older notation c.996+8delC).
Molecular consequence: intron variant.
Genome position (GRCh38, 1-based): chr1:55,056,197, C deleted. VCF-style (leftmost placement, unchanged base first): chr1-55056196-GC-G. GRCh37 (hg19) VCF-style: chr1-55521869-GC-G.
Other names: c.996+8delC (NM_174936.3).
Identifiers: ClinVar variation 297698 (VCV000297698.50), dbSNP rs768213924, ClinGen allele CA045510.